The following is an entry in ClinVar:

NM_005573.4(LMNB1):c.1623AAG[1] (p.Arg542del)

Gene: LMNB1 (lamin B1; plus strand). Cytogenetic location: 5q23.2.
Variant type: Microsatellite.
Coding change: c.1623AAG[1] on transcript NM_005573.4 (MANE Select); one copy of the 3-base unit AAG starting at c.1623; the reference has two copies in a row; one copy, 3 bases deleted.
Protein change: p.Arg542del; deletes arginine 542.
Molecular consequence: inframe deletion. On other transcripts: non-coding transcript variant (2).
Genome position (GRCh38, 1-based): chr5:126,832,708-126,832,710, AAG deleted; deleting any 3 consecutive bases within chr5:126,832,705-126,832,710 gives the same sequence; the position shown is the placement nearest the transcript's 3' end. VCF-style (leftmost placement, unchanged base first): chr5-126832704-AAAG-A. GRCh37 (hg19) VCF-style: chr5-126168396-AAAG-A.
Other names: c.993AAG[1], p.Arg332del (NM_001198557.2); short protein forms R332del, R542del.
Identifiers: ClinVar variation 4875242 (VCV004875242.2).

ClinVar aggregate classification (germline): Uncertain significance (1 of 4 stars; one submission).

Submission:

CeGaT Center for Human Genetics Tuebingen
Classification: Uncertain significance. Last evaluated: 2026-06-01. Review status: criteria provided, single submitter. Criteria: CeGaT Center For Human Genetics Tuebingen Variant Classification Criteria Version 2. Collection method: clinical testing. Allele origin: germline. Affected: yes. Observed: 1 variant allele.
Comment: LMNB1: PM4:Supporting